The following is an entry in ClinVar:

ClinVar aggregate classification (germline): Uncertain significance (1 of 4 stars; one submission).

Allele frequency attached by ClinVar (database versions not stated): gnomAD exomes below 0.00001.
gnomAD v4.1: 1 of 1,612,798 alleles (0.000062%); highest among the groups gnomAD compares: Non-Finnish European, 0.000085%; no homozygotes.

Submission:

Ambry Genetics
Classification: Uncertain significance. Last evaluated: 2023-03-17. Review status: criteria provided, single submitter. Criteria: Ambry Variant Classification Scheme 2023. Collection method: clinical testing. Allele origin: germline.
Comment: The p.K393E variant (also known as c.1177A>G), located in coding exon 9 of the RECQL gene, results from an A to G substitution at nucleotide position 1177. The lysine at codon 393 is replaced by glutamic acid, an amino acid with similar properties. This amino acid position is conserved. In addition, this alteration is predicted to be deleterious by in silico analysis. Since supporting evidence is limited at this time, the clinical significance of this alteration remains unclear.

NM_002907.4(RECQL):c.1177A>G (p.Lys393Glu)

Gene: RECQL (RecQ like helicase; minus strand). Cytogenetic location: 12p12.1.
Variant type: single nucleotide variant.
Coding change: c.1177A>G on transcript NM_002907.4 (MANE Select); coding-DNA position 1177, A replaced by G.
Protein change: p.Lys393Glu; replaces lysine 393 with glutamic acid.
Molecular consequence: missense variant.
Genome position (GRCh38, 1-based): chr12:21,475,507, T>C on the plus strand (A>G on the coding strand, the complement: RECQL is on the minus strand). VCF-style: chr12-21475507-T-C. GRCh37 (hg19) VCF-style: chr12-21628441-T-C.
Other names: c.1177A>G, p.Lys393Glu (NM_032941.3); short protein forms K393E.
Identifiers: ClinVar variation 2565561 (VCV002565561.2), dbSNP rs2540344549, ClinGen allele CA384119494.